The following is an entry in ClinVar:

NM_001042492.3(NF1):c.394G>C (p.Ala132Pro)

Gene: NF1 (neurofibromin 1; plus strand). Cytogenetic location: 17q11.2.
Variant type: single nucleotide variant.
Coding change: c.394G>C on transcript NM_001042492.3 (MANE Select); coding-DNA position 394, G replaced by C.
Protein change: p.Ala132Pro; replaces alanine 132 with proline.
Molecular consequence: missense variant.
Genome position (GRCh38, 1-based): chr17:31,163,291, G>C. VCF-style: chr17-31163291-G-C. GRCh37 (hg19) VCF-style: chr17-29490309-G-C.
Other names: c.394G>C, p.Ala132Pro (NM_000267.4, NM_001128147.3); short protein forms A132P.
Identifiers: ClinVar variation 2130487 (VCV002130487.4), dbSNP rs769615182, ClinGen allele CA398981857.

ClinVar aggregate classification (germline): Uncertain significance (1 of 4 stars; one submission).

Conditions:
Neurofibromatosis, type 1 (NF1). Also called: Peripheral type neurofibromatosis; NEUROFIBROMATOSIS, TYPE I, SOMATIC; Neurofibromatosis, type I; VON RECKLINGHAUSEN DISEASE. Identifiers: Orphanet 636, MedGen C0027831, MONDO:0018975, OMIM 162200. Disease mechanism: loss of function.

Submission:

Labcorp Genetics (formerly Invitae), Labcorp
Classification: Uncertain significance for Neurofibromatosis, type 1. Last evaluated: 2022-04-25. Review status: criteria provided, single submitter. Criteria: Invitae Variant Classification Sherloc (09022015). Collection method: clinical testing. Allele origin: germline.
Comment: In summary, the available evidence is currently insufficient to determine the role of this variant in disease. Therefore, it has been classified as a Variant of Uncertain Significance. Algorithms developed to predict the effect of missense changes on protein structure and function (SIFT, PolyPhen-2, Align-GVGD) all suggest that this variant is likely to be tolerated. This variant has not been reported in the literature in individuals affected with NF1-related conditions. This variant is not present in population databases (gnomAD no frequency). This sequence change replaces alanine, which is neutral and non-polar, with proline, which is neutral and non-polar, at codon 132 of the NF1 protein (p.Ala132Pro).